The following is an entry in ClinVar:

ClinVar aggregate classification (germline): Likely benign (1 of 4 stars; one submission).

gnomAD v4.1: 202 of 1,614,150 alleles (0.013%); highest among the groups gnomAD compares: Admixed American, 0.075%; 2 homozygotes.

Submission:

CeGaT Center for Human Genetics Tuebingen
Classification: Likely benign. Last evaluated: 2025-08-01. Review status: criteria provided, single submitter. Criteria: CeGaT Center For Human Genetics Tuebingen Variant Classification Criteria Version 2. Collection method: clinical testing. Allele origin: germline. Affected: yes. Observed: 1 variant allele.
Comment: CFAP65: BP4

NM_194302.4(CFAP65):c.1217C>T (p.Ala406Val)

Gene: CFAP65 (cilia and flagella associated protein 65; minus strand). Cytogenetic location: 2q35.
Variant type: single nucleotide variant.
Coding change: c.1217C>T on transcript NM_194302.4 (MANE Select); coding-DNA position 1217, C replaced by T.
Protein change: p.Ala406Val; replaces alanine 406 with valine.
Molecular consequence: missense variant.
Genome position (GRCh38, 1-based): chr2:219,030,153, G>A on the plus strand (C>T on the coding strand, the complement: CFAP65 is on the minus strand). VCF-style: chr2-219030153-G-A. GRCh37 (hg19) VCF-style: chr2-219894875-G-A.
Other names: c.1184C>T, p.Ala395Val (NM_001278295.1); c.1022C>T, p.Ala341Val (NM_001278296.2); short protein forms A341V, A395V, A406V.
Identifiers: ClinVar variation 4084114 (VCV004084114.8).
Genomic context (GRCh38, chr2:219,030,153, plus strand): 5'-ACCGACACACATTTCTTCTCTCCCGGAAGCACGATGCCATGGGCCGTGGGGCATGAGAAG[G>A]CCTGGTCTTCGGCCAGTTCATCCGGGGAAATTTCAATCCTGAAGGGGGCATTTACCTGTG-3'
Protein context (NP_919278.2, residues 396-416): ISPDELAEDQ[Ala406Val]FSCPTAHGIV